The following is an entry in ClinVar:

ClinVar aggregate classification (germline): Pathogenic (1 of 4 stars; one submission).

Conditions:
Catecholaminergic polymorphic ventricular tachycardia 1. Also called: VENTRICULAR TACHYCARDIA, CATECHOLAMINERGIC POLYMORPHIC, 1, WITH OR WITHOUT ATRIAL DYSFUNCTION AND/OR DILATED CARDIOMYOPATHY; RYR2-Related Catecholaminergic Polymorphic Ventricular Tachycardia; VENTRICULAR TACHYCARDIA, STRESS-INDUCED POLYMORPHIC 1. Identifiers: Orphanet 3286, MedGen C1631597, MONDO:0011484, OMIM 604772.

Submission:

Labcorp Genetics (formerly Invitae), Labcorp
Classification: Pathogenic for Catecholaminergic polymorphic ventricular tachycardia 1. Last evaluated: 2016-09-12. Review status: criteria provided, single submitter. Criteria: Invitae Variant Classification Sherloc (09022015). Collection method: clinical testing. Allele origin: germline.
Comment: For these reasons, this variant has been classified as Pathogenic. While this particular variant has not been reported in the literature, loss-of-function variants in TRDN are known to be pathogenic (PMID: 25922419). This sequence change deletes 1 nucleotide from exon 8 of the TRDN mRNA (c.618delG), causing a frameshift at codon 208. This creates a premature translational stop signal (p.Ala208Leufs*15) and is expected to result in an absent or disrupted protein product.

Literature cited by the submitters: PubMed 25922419.

NM_006073.4(TRDN):c.618del (p.Ala208fs)

Gene: TRDN (triadin; minus strand). Cytogenetic location: 6q22.31.
Variant type: Deletion.
Coding change: c.618del on transcript NM_006073.4 (MANE Select); coding-DNA position 618, one base deleted (G; older notation c.618delG).
Protein change: p.Ala208fs; shifts the reading frame from alanine 208.
Molecular consequence: frameshift variant.
Genome position (GRCh38, 1-based): chr6:123,503,894, C deleted on the plus strand (G on the coding strand, the reverse complement: TRDN is on the minus strand). VCF-style (leftmost placement, unchanged base first): chr6-123503893-TC-T. GRCh37 (hg19) VCF-style: chr6-123825038-TC-T.
Other names: c.618del, p.Ala208fs (NM_001251987.2, NM_001256020.2, NM_001256021.2); short protein forms A208fs.
Identifiers: ClinVar variation 408737 (VCV000408737.8), dbSNP rs1060502114, ClinGen allele CA16611945.
Genomic context (GRCh38, chr6:123,503,893, plus strand): 5'-GTTTTCCACCTTTCACTTCCTTTTTAGTCTTTTCTTCACTCTTTTCTGCAGTCTTAGCTT[TC>T]TTCTGTTCTGTATAAAGTTAAAAGATGTTGAAATACTTTTGTTTATTTACAAACATAATG-3'